The following is an entry in ClinVar:

NM_017739.4(POMGNT1):c.988C>T (p.Pro330Ser)

Genes: POMGNT1 (protein O-linked mannose N-acetylglucosaminyltransferase 1 (beta 1,2-); minus strand), TSPAN1 (tetraspanin 1; plus strand). Cytogenetic location: 1p34.1.
Variant type: single nucleotide variant.
Coding change: c.988C>T on transcript NM_017739.4 (MANE Select); coding-DNA position 988, C replaced by T.
Protein change: p.Pro330Ser; replaces proline 330 with serine.
Molecular consequence: missense variant.
Genome position (GRCh38, 1-based): chr1:46,193,602, G>A on the plus strand (C>T on the coding strand, the complement: POMGNT1 is on the minus strand). VCF-style: chr1-46193602-G-A. GRCh37 (hg19) VCF-style: chr1-46659274-G-A.
Other names: c.988C>T, p.Pro330Ser (NM_001243766.2, NM_001410783.1); c.922C>T, p.Pro308Ser (NM_001290129.3); c.559C>T, p.Pro187Ser (NM_001290130.2); short protein forms P308S, P330S, P187S.
Identifiers: ClinVar variation 1511025 (VCV001511025.6), dbSNP rs748027760, ClinGen allele CA833541.

ClinVar aggregate classification (germline): Uncertain significance (1 of 4 stars; one submission).

Conditions:
Autosomal recessive limb-girdle muscular dystrophy type 2O. Also called: Limb-Girdle Muscular Dystrophy Type 3C; MUSCULAR DYSTROPHY-DYSTROGLYCANOPATHY (LIMB-GIRDLE), TYPE C, 3; MUSCULAR DYSTROPHY-DYSTROGLYCANOPATHY, LIMB-GIRDLE, POMGNT1-RELATED. Identifiers: Orphanet 206564, MedGen C3150417, MONDO:0013161, OMIM 613157.
Muscular dystrophy-dystroglycanopathy (congenital with impaired intellectual development), type B, 3. Also called: Muscular dystrophy-dystroglycanopathy (congenital with intellectual disability), type B3; MUSCULAR DYSTROPHY, CONGENITAL, POMGNT1-RELATED. Identifiers: MedGen C3150412, MONDO:0013155, OMIM 613151.

Allele frequency attached by ClinVar (database versions not stated): gnomAD exomes 0.00001; TOPMed below 0.00001; gnomAD 0.00001; ExAC 0.00002.

Submission:

Labcorp Genetics (formerly Invitae), Labcorp
Classification: Uncertain significance for Autosomal recessive limb-girdle muscular dystrophy type 2O; Muscular dystrophy-dystroglycanopathy (congenital with impaired intellectual development), type B, 3. Last evaluated: 2021-10-08. Review status: criteria provided, single submitter. Criteria: Invitae Variant Classification Sherloc (09022015). Collection method: clinical testing. Allele origin: germline.
Comment: In summary, the available evidence is currently insufficient to determine the role of this variant in disease. Therefore, it has been classified as a Variant of Uncertain Significance. Advanced modeling of protein sequence and biophysical properties (such as structural, functional, and spatial information, amino acid conservation, physicochemical variation, residue mobility, and thermodynamic stability) performed at Invitae indicates that this missense variant is not expected to disrupt POMGNT1 protein function. This variant has not been reported in the literature in individuals affected with POMGNT1-related conditions. This variant is present in population databases (rs748027760, ExAC 0.003%). This sequence change replaces proline with serine at codon 330 of the POMGNT1 protein (p.Pro330Ser). The proline residue is highly conserved and there is a moderate physicochemical difference between proline and serine.